The following is an entry in ClinVar:

ClinVar aggregate classification (germline): Uncertain significance (1 of 4 stars; one submission).

Conditions:
Birt-Hogg-Dube syndrome. Also called: Birt Hogg Dubé syndrome. Identifiers: Orphanet 122, MedGen C0346010, MONDO:0800444.

Submission:

Labcorp Genetics (formerly Invitae), Labcorp
Classification: Uncertain significance for Birt-Hogg-Dube syndrome. Last evaluated: 2025-11-10. Review status: criteria provided, single submitter. Criteria: Invitae Variant Classification Sherloc (09022015). Collection method: clinical testing. Allele origin: germline.
Comment: This sequence change replaces serine, which is neutral and polar, with glycine, which is neutral and non-polar, at codon 62 of the FLCN protein (p.Ser62Gly). This variant is not present in population databases (gnomAD no frequency). This variant has not been reported in the literature in individuals affected with FLCN-related conditions. ClinVar contains an entry for this variant (Variation ID: 1992982). Invitae Evidence Modeling of protein sequence and biophysical properties (such as structural, functional, and spatial information, amino acid conservation, physicochemical variation, residue mobility, and thermodynamic stability) indicates that this missense variant is not expected to disrupt FLCN protein function with a negative predictive value of 80%. In summary, the available evidence is currently insufficient to determine the role of this variant in disease. Therefore, it has been classified as a Variant of Uncertain Significance.

NM_144997.7(FLCN):c.184A>G (p.Ser62Gly)

Gene: FLCN (folliculin; minus strand). Cytogenetic location: 17p11.2.
Variant type: single nucleotide variant.
Coding change: c.184A>G on transcript NM_144997.7 (MANE Select); coding-DNA position 184, A replaced by G.
Protein change: p.Ser62Gly; replaces serine 62 with glycine.
Molecular consequence: missense variant.
Genome position (GRCh38, 1-based): chr17:17,227,954, T>C on the plus strand (A>G on the coding strand, the complement: FLCN is on the minus strand). VCF-style: chr17-17227954-T-C. GRCh37 (hg19) VCF-style: chr17-17131268-T-C.
Other names: c.184A>G, p.Ser62Gly (NM_001353229.2, NM_001353230.2, NM_001353231.2 and 1 more transcripts); short protein forms S62G.
Identifiers: ClinVar variation 1992982 (VCV001992982.4), dbSNP rs2145042455, ClinGen allele CA398535150.